The following is an entry in ClinVar:

ClinVar aggregate classification (germline): Conflicting classifications of pathogenicity. Review status: criteria provided, conflicting classifications (1 of 4 stars). 2 submissions from 2 submitters: Likely pathogenic (1); Uncertain significance (1). Last evaluated 2023-05-29.

Conditions:
Hereditary cancer-predisposing syndrome. Also called: Hereditary Cancer Syndrome; Hereditary neoplastic syndrome; Neoplastic Syndromes, Hereditary; Tumor predisposition. Identifiers: Orphanet 140162, MedGen C0027672, MeSH D009386, MONDO:0015356.
Familial adenomatous polyposis 2. Also called: MUTYH-associated polyposis; MUTYH-related attenuated familial adenomatous polyposis; FAP type 2; Adenomas, multiple colorectal; MYH-associated polyposis; MUTYH Polyposis. Identifiers: Orphanet 220460, Orphanet 247798, MedGen C3272841, MONDO:0012041, OMIM 608456.

gnomAD v4.1: 6 of 1,614,126 alleles (0.00037%); highest among the groups gnomAD compares: Middle Eastern, 0.016%; no homozygotes.

Submissions (2):

Labcorp Genetics (formerly Invitae), Labcorp
Classification: Uncertain significance for Familial adenomatous polyposis 2. Last evaluated: 2023-05-29. Review status: criteria provided, single submitter. Criteria: Invitae Variant Classification Sherloc (09022015). Collection method: clinical testing. Allele origin: germline.
Comment: Variants that disrupt the consensus splice site are a relatively common cause of aberrant splicing (PMID: 17576681, 9536098). Studies have shown that this variant results in skipping of exon 8 , but is expected to preserve the integrity of the reading-frame (Invitae). ClinVar contains an entry for this variant (Variation ID: 1749561). This variant has not been reported in the literature in individuals affected with MUTYH-related conditions. This variant is not present in population databases (gnomAD no frequency). This sequence change falls in intron 7 of the MUTYH gene. It does not directly change the encoded amino acid sequence of the MUTYH protein. RNA analysis indicates that this variant induces altered splicing and likely results in a shortened protein product. In summary, the available evidence is currently insufficient to determine the role of this variant in disease. Therefore, it has been classified as a Variant of Uncertain Significance.

Ambry Genetics
Classification: Likely pathogenic for Hereditary cancer-predisposing syndrome. Last evaluated: 2023-04-28. Review status: criteria provided, single submitter. Criteria: Ambry Variant Classification Scheme 2023. Collection method: clinical testing. Allele origin: germline.
Comment: The c.577-3C>G intronic variant results from a C to G substitution 3 nucleotides upstream from coding exon 8 in the MUTYH gene. This nucleotide position is not well conserved in available vertebrate species. In silico splice site analysis predicts that this alteration will weaken the native splice acceptor site. RNA studies have demonstrated that this alteration results in abnormal splicing in the set of samples tested (Ambry internal data). This variant is considered to be rare based on population cohorts in the Genome Aggregation Database (gnomAD). Based on the majority of available evidence to date, this variant is likely to be pathogenic.

Literature cited by the submitters: PubMed 17576681 (cited by Labcorp Genetics (formerly Invitae), Labcorp); PubMed 9536098 (cited by Labcorp Genetics (formerly Invitae), Labcorp).

NM_001048174.2(MUTYH):c.493-3C>G

Gene: MUTYH (mutY DNA glycosylase; minus strand). Cytogenetic location: 1p34.1.
Variant type: single nucleotide variant.
Coding change: c.493-3C>G on transcript NM_001048174.2 (MANE Select); 3 bases into the intron before coding-DNA position 493, C replaced by G.
Molecular consequence: intron variant.
Genome position (GRCh38, 1-based): chr1:45,332,690, G>C on the plus strand (C>G on the coding strand, the complement: MUTYH is on the minus strand). VCF-style: chr1-45332690-G-C. GRCh37 (hg19) VCF-style: chr1-45798362-G-C.
Other names: c.148-3C>G (NM_001350651.2, NM_001350650.2); c.217-3C>G (NM_001293192.2, NM_001293196.2); c.493-3C>G (NM_001048171.2, NM_001048173.2, NM_001293195.2); c.538-3C>G (NM_001293190.2); c.568-3C>G (NM_012222.3); c.577-3C>G (NM_001128425.2); c.496-3C>G (NM_001048172.2); c.526-3C>G (NM_001293191.2).
Identifiers: ClinVar variation 1749561 (VCV001749561.6), dbSNP rs2149153407, ClinGen allele CA2580063121.